The following is an entry in ClinVar:

NM_001903.5(CTNNA1):c.1699G>T (p.Val567Phe)

Gene: CTNNA1 (catenin alpha 1; plus strand). Cytogenetic location: 5q31.2.
Variant type: single nucleotide variant.
Coding change: c.1699G>T on transcript NM_001903.5 (MANE Select); coding-DNA position 1699, G replaced by T.
Protein change: p.Val567Phe; replaces valine 567 with phenylalanine.
Molecular consequence: missense variant.
Genome position (GRCh38, 1-based): chr5:138,924,662, G>T. VCF-style: chr5-138924662-G-T. GRCh37 (hg19) VCF-style: chr5-138260351-G-T.
Other names: c.1699G>T, p.Val567Phe (NM_001290307.3, NM_001323982.2, NM_001323983.1 and 2 more transcripts); c.1390G>T, p.Val464Phe (NM_001290309.3); c.1330G>T, p.Val444Phe (NM_001290310.3); c.589G>T, p.Val197Phe (NM_001290312.1, NM_001323987.1, NM_001323988.1 and 17 more transcripts); c.1606G>T, p.Val536Phe (NM_001323986.2); c.250G>T, p.Val84Phe (NM_001324006.1, NM_001324007.1, NM_001324008.1 and 2 more transcripts); c.496G>T, p.Val166Phe (NM_001324011.1); c.346G>T, p.Val116Phe (NM_001324012.1, NM_001324013.1); short protein forms V197F, V444F, V116F, V166F, V567F, V84F, V464F, V536F.
Identifiers: ClinVar variation 1778295 (VCV001778295.4), dbSNP rs2533712847, ClinGen allele CA361132002.

ClinVar aggregate classification (germline): Uncertain significance. Review status: criteria provided, multiple submitters, no conflicts (2 of 4 stars). 2 submissions from 2 submitters: Uncertain significance (2). Last evaluated 2025-03-01.

Conditions:
Hereditary cancer-predisposing syndrome. Also called: Neoplastic Syndromes, Hereditary; Tumor predisposition; Hereditary Cancer Syndrome; Hereditary neoplastic syndrome. Identifiers: Orphanet 140162, MedGen C0027672, MeSH D009386, MONDO:0015356.

Submissions (2):

Labcorp Genetics (formerly Invitae), Labcorp
Classification: Uncertain significance. Last evaluated: 2025-03-01. Review status: criteria provided, single submitter. Criteria: Invitae Variant Classification Sherloc (09022015). Collection method: clinical testing. Allele origin: germline.
Comment: This sequence change replaces valine, which is neutral and non-polar, with phenylalanine, which is neutral and non-polar, at codon 567 of the CTNNA1 protein (p.Val567Phe). This variant is not present in population databases (gnomAD no frequency). This variant has not been reported in the literature in individuals affected with CTNNA1-related conditions. ClinVar contains an entry for this variant (Variation ID: 1778295). Invitae Evidence Modeling of protein sequence and biophysical properties (such as structural, functional, and spatial information, amino acid conservation, physicochemical variation, residue mobility, and thermodynamic stability) indicates that this missense variant is not expected to disrupt CTNNA1 protein function with a negative predictive value of 80%. In summary, the available evidence is currently insufficient to determine the role of this variant in disease. Therefore, it has been classified as a Variant of Uncertain Significance.

Ambry Genetics
Classification: Uncertain significance for Hereditary cancer-predisposing syndrome. Last evaluated: 2021-06-08. Review status: criteria provided, single submitter. Criteria: Ambry Variant Classification Scheme 2023. Collection method: clinical testing. Allele origin: germline.
Comment: The p.V567F variant (also known as c.1699G>T), located in coding exon 11 of the CTNNA1 gene, results from a G to T substitution at nucleotide position 1699. The valine at codon 567 is replaced by phenylalanine, an amino acid with highly similar properties. This amino acid position is well conserved in available vertebrate species. In addition, the in silico prediction for this alteration is inconclusive. Since supporting evidence is limited at this time, the clinical significance of this alteration remains unclear.